The following is an entry in ClinVar:

ClinVar aggregate classification (germline): Pathogenic (1 of 4 stars; one submission).

Conditions:
Glucose-6-phosphate transport defect (GSD1B). Also called: Glycogen Storage Disease Type Ib; GSD Ib. Identifiers: Orphanet 364, Orphanet 79259, MedGen C0268146, MONDO:0009288, OMIM 232220.

Allele frequency attached by ClinVar (database versions not stated): TOPMed below 0.00001; gnomAD 0.00001.

Submission:

Labcorp Genetics (formerly Invitae), Labcorp
Classification: Pathogenic for Glucose-6-phosphate transport defect. Last evaluated: 2023-11-17. Review status: criteria provided, single submitter. Criteria: Invitae Variant Classification Sherloc (09022015). Collection method: clinical testing. Allele origin: germline.
Comment: This sequence change affects an acceptor splice site in intron 3 of the SLC37A4 gene. It is expected to disrupt RNA splicing. Variants that disrupt the donor or acceptor splice site typically lead to a loss of protein function (PMID: 16199547), and loss-of-function variants in SLC37A4 are known to be pathogenic (PMID: 9758626, 10940311). This variant is not present in population databases (gnomAD no frequency). Disruption of this splice site has been observed in individual(s) with glycogen storage disease type Ib (PMID: 9856496). Algorithms developed to predict the effect of sequence changes on RNA splicing suggest that this variant may disrupt the consensus splice site. For these reasons, this variant has been classified as Pathogenic.

Literature cited by the submitters: PubMed 16199547; PubMed 9758626; PubMed 10940311; PubMed 9856496.

NM_001164277.2(SLC37A4):c.149-2A>G

Gene: SLC37A4 (solute carrier family 37 member 4; minus strand). Cytogenetic location: 11q23.3.
Variant type: single nucleotide variant.
Coding change: c.149-2A>G on transcript NM_001164277.2 (MANE Select); the canonical splice acceptor site of the intron before coding-DNA position 149, A replaced by G.
Molecular consequence: splice acceptor variant.
Genome position (GRCh38, 1-based): chr11:119,028,428, T>C on the plus strand (A>G on the coding strand, the complement: SLC37A4 is on the minus strand). VCF-style: chr11-119028428-T-C. GRCh37 (hg19) VCF-style: chr11-118899138-T-C.
Other names: c.-71-2A>G (NM_001164279.2); c.149-2A>G (NM_001467.6, NM_001164278.2, NM_001164280.2).
Identifiers: ClinVar variation 2801485 (VCV002801485.3), dbSNP rs1441197277, ClinGen allele CA382906662.